The following is an entry in ClinVar:

NM_002834.5(PTPN11):c.349C>G (p.Leu117Val)

Gene: PTPN11 (protein tyrosine phosphatase non-receptor type 11; plus strand). Cytogenetic location: 12q24.13.
Variant type: single nucleotide variant.
Coding change: c.349C>G on transcript NM_002834.5 (MANE Select); coding-DNA position 349, C replaced by G.
Protein change: p.Leu117Val; replaces leucine 117 with valine.
Molecular consequence: missense variant.
Genome position (GRCh38, 1-based): chr12:112,453,211, C>G. VCF-style: chr12-112453211-C-G. GRCh37 (hg19) VCF-style: chr12-112891015-C-G.
Other names: c.349C>G, p.Leu117Val (NM_080601.3, NM_001330437.2); c.346C>G, p.Leu116Val (NM_001374625.1); short protein forms L116V, L117V.
Identifiers: ClinVar variation 3637658 (VCV003637658.3).

ClinVar aggregate classification (germline): Uncertain significance. Review status: criteria provided, multiple submitters, no conflicts (2 of 4 stars). 2 submissions from 2 submitters: Uncertain significance (2). Last evaluated 2025-12-07.

Conditions:
Cardiovascular phenotype. Identifiers: MedGen CN230736.
RASopathy. Also called: Noonan spectrum disorder; rasopathies. Identifiers: Orphanet 536391, MedGen C5555857, MONDO:0021060.

Submissions (2):

Ambry Genetics
Classification: Uncertain significance for Cardiovascular phenotype. Last evaluated: 2025-12-07. Review status: criteria provided, single submitter. Criteria: Ambry Variant Classification Scheme 2023. Collection method: clinical testing. Allele origin: germline.
Comment: The p.L117V variant (also known as c.349C>G), located in coding exon 4 of the PTPN11 gene, results from a C to G substitution at nucleotide position 349. The leucine at codon 117 is replaced by valine, an amino acid with highly similar properties. This amino acid position is conserved. In addition, the in silico prediction for this alteration is inconclusive. Based on the available evidence, the clinical significance of this variant remains unclear.

Labcorp Genetics (formerly Invitae), Labcorp
Classification: Uncertain significance for RASopathy. Last evaluated: 2024-10-27. Review status: criteria provided, single submitter. Criteria: Invitae Variant Classification Sherloc (09022015). Collection method: clinical testing. Allele origin: germline.
Comment: This sequence change replaces leucine, which is neutral and non-polar, with valine, which is neutral and non-polar, at codon 117 of the PTPN11 protein (p.Leu117Val). This variant is not present in population databases (gnomAD no frequency). This variant has not been reported in the literature in individuals affected with PTPN11-related conditions. Invitae Evidence Modeling of protein sequence and biophysical properties (such as structural, functional, and spatial information, amino acid conservation, physicochemical variation, residue mobility, and thermodynamic stability) has been performed for this missense variant. However, the output from this modeling did not meet the statistical confidence thresholds required to predict the impact of this variant on PTPN11 protein function. In summary, the available evidence is currently insufficient to determine the role of this variant in disease. Therefore, it has been classified as a Variant of Uncertain Significance.